The following is an entry in ClinVar:

ClinVar aggregate classification (germline): Uncertain significance. Review status: criteria provided, multiple submitters, no conflicts (2 of 4 stars). 2 submissions from 2 submitters: Uncertain significance (2). Last evaluated 2024-04-02.

Conditions:
Congenital contractural arachnodactyly (CCA). Also called: BEALS SYNDROME; Beals-Hecht syndrome; Arthrogryposis, distal, type 9. Identifiers: Orphanet 115, MedGen C0220668, MONDO:0007363, OMIM 121050.

Allele frequency attached by ClinVar (database versions not stated): TOPMed 0.00002.

Submissions (2):

Labcorp Genetics (formerly Invitae), Labcorp
Classification: Uncertain significance for Congenital contractural arachnodactyly. Last evaluated: 2024-04-02. Review status: criteria provided, single submitter. Criteria: Invitae Variant Classification Sherloc (09022015). Collection method: clinical testing. Allele origin: germline.
Comment: This sequence change replaces aspartic acid, which is acidic and polar, with valine, which is neutral and non-polar, at codon 1367 of the FBN2 protein (p.Asp1367Val). This variant is not present in population databases (gnomAD no frequency). This variant has not been reported in the literature in individuals affected with FBN2-related conditions. ClinVar contains an entry for this variant (Variation ID: 1677633). An algorithm developed to predict the effect of missense changes on protein structure and function (PolyPhen-2) suggests that this variant is likely to be tolerated. In summary, the available evidence is currently insufficient to determine the role of this variant in disease. Therefore, it has been classified as a Variant of Uncertain Significance.

AiLife Diagnostics
Classification: Uncertain significance. Last evaluated: 2021-11-18. Review status: criteria provided, single submitter. Criteria: ACMG Guidelines, 2015. Collection method: clinical testing. Allele origin: germline. Affected: yes. Observed: 1 variant allele.

NM_001999.4(FBN2):c.4100A>T (p.Asp1367Val)

Gene: FBN2 (fibrillin 2; minus strand). Cytogenetic location: 5q23.3.
Variant type: single nucleotide variant.
Coding change: c.4100A>T on transcript NM_001999.4 (MANE Select); coding-DNA position 4100, A replaced by T.
Protein change: p.Asp1367Val; replaces aspartic acid 1367 with valine.
Molecular consequence: missense variant.
Genome position (GRCh38, 1-based): chr5:128,333,034, T>A on the plus strand (A>T on the coding strand, the complement: FBN2 is on the minus strand). VCF-style: chr5-128333034-T-A. GRCh37 (hg19) VCF-style: chr5-127668726-T-A.
Other names: short protein forms D1367V.
Identifiers: ClinVar variation 1677633 (VCV001677633.3), dbSNP rs1323355934, ClinGen allele CA360755540.